The following is an entry in ClinVar:

ClinVar aggregate classification (germline): Uncertain significance (1 of 4 stars; one submission).

Conditions:
Familial thoracic aortic aneurysm and aortic dissection (TAAD). Also called: Thoracic aortic aneurysms and dissections. Identifiers: Orphanet 91387, MedGen C4707243, MONDO:0019625.

Submission:

Ambry Genetics
Classification: Uncertain significance for Familial thoracic aortic aneurysm and aortic dissection. Last evaluated: 2024-09-09. Review status: criteria provided, single submitter. Criteria: Ambry Variant Classification Scheme 2023. Collection method: clinical testing. Allele origin: germline.
Comment: The p.P158H variant (also known as c.473C>A), located in coding exon 4 of the TGFBR2 gene, results from a C to A substitution at nucleotide position 473. The proline at codon 158 is replaced by histidine, an amino acid with similar properties. This amino acid position is conserved. In addition, the in silico prediction for this alteration is inconclusive. Based on the available evidence, the clinical significance of this variant remains unclear.

NM_003242.6(TGFBR2):c.473C>A (p.Pro158His)

Gene: TGFBR2 (transforming growth factor beta receptor 2; plus strand). Cytogenetic location: 3p24.1.
Variant type: single nucleotide variant.
Coding change: c.473C>A on transcript NM_003242.6 (MANE Select); coding-DNA position 473, C replaced by A.
Protein change: p.Pro158His; replaces proline 158 with histidine.
Molecular consequence: missense variant. On other transcripts: intron variant (1).
Genome position (GRCh38, 1-based): chr3:30,671,656, C>A. VCF-style: chr3-30671656-C-A. GRCh37 (hg19) VCF-style: chr3-30713148-C-A.
Other names: c.548C>A, p.Pro183His (NM_001024847.3); c.656C>A, p.Pro219His (NM_001407126.1); c.581C>A, p.Pro194His (NM_001407127.1); c.500C>A, p.Pro167His (NM_001407128.1); c.476C>A, p.Pro159His (NM_001407129.1); c.473C>A, p.Pro158His (NM_001407130.1); c.368C>A, p.Pro123His (NM_001407132.1, NM_001407133.1, NM_001407134.1 and 2 more transcripts); c.188C>A, p.Pro63His (NM_001407137.1); and 2 more; short protein forms P123H, P159H, P167H, P219H, P158H, P183H, P194H, P38H.
Identifiers: ClinVar variation 3455839 (VCV003455839.1).
Genomic context (GRCh38, chr3:30,671,656, plus strand): 5'-CCACATCCAACTCCTTCTCTCCTTGTTTTGTTTCCCCATCAGAATATAACACCAGCAATC[C>A]TGACTTGTTGCTAGTCATATTTCAAGTGACAGGCATCAGCCTCCTGCCACCACTGGGAGT-3'
Protein context (NP_003233.4, residues 148-168): IFSEEYNTSN[Pro158His]DLLLVIFQVT